The following is an entry in ClinVar:

ClinVar aggregate classification (germline): Uncertain significance (0 of 4 stars; one submission).

Submission:

Richard Lifton Laboratory, Yale University School of Medicine
Classification: Uncertain significance. Review status: no assertion criteria provided. Collection method: not provided. Allele origin: somatic.
Comment: MTMR8
ClinVar note: Converted during submission from unknown to Uncertain significance.

NM_017677.4(MTMR8):c.1493G>A (p.Gly498Glu)

Gene: MTMR8 (myotubularin related protein 8; minus strand). Cytogenetic location: Xq11.2.
Variant type: single nucleotide variant.
Coding change: c.1493G>A on transcript NM_017677.4 (MANE Select); coding-DNA position 1493, G replaced by A.
Protein change: p.Gly498Glu; replaces glycine 498 with glutamic acid.
Molecular consequence: missense variant.
Genome position (GRCh38, 1-based): chrX:64,271,062, C>T on the plus strand (G>A on the coding strand, the complement: MTMR8 is on the minus strand). VCF-style: chrX-64271062-C-T. GRCh37 (hg19) VCF-style: chrX-63490942-C-T.
Other names: short protein forms G498E.
Identifiers: ClinVar variation 91997 (VCV000091997.2), dbSNP rs386352332, ClinGen allele CA232318.